The following is an entry in ClinVar:

NM_004982.4(KCNJ8):c.308C>G (p.Ala103Gly)

Genes: KCNJ8 (potassium inwardly rectifying channel subfamily J member 8; minus strand), KCNJ8-AS1 (KCNJ8 antisense RNA 1; plus strand). Cytogenetic location: 12p12.1.
Variant type: single nucleotide variant.
Coding change: c.308C>G on transcript NM_004982.4 (MANE Select); coding-DNA position 308, C replaced by G.
Protein change: p.Ala103Gly; replaces alanine 103 with glycine.
Molecular consequence: missense variant.
Genome position (GRCh38, 1-based): chr12:21,773,309, G>C on the plus strand (C>G on the coding strand, the complement: KCNJ8 is on the minus strand). VCF-style: chr12-21773309-G-C. GRCh37 (hg19) VCF-style: chr12-21926243-G-C.
Other names: short protein forms A103G.
Identifiers: ClinVar variation 3893375 (VCV003893375.1).

ClinVar aggregate classification (germline): Uncertain significance (1 of 4 stars; one submission).

gnomAD v4.1: 1 of 1,614,078 alleles (0.000062%); highest among the groups gnomAD compares: Non-Finnish European, 0.000085%; no homozygotes.

Submission:

GeneDx
Classification: Uncertain significance. Last evaluated: 2024-10-08. Review status: criteria provided, single submitter. Criteria: GeneDx Variant Classification Process June 2021. Collection method: clinical testing. Allele origin: germline. Affected: yes.
Comment: Not observed at significant frequency in large population cohorts (gnomAD); In silico analysis indicates that this missense variant does not alter protein structure/function; Has not been previously published as pathogenic or benign to our knowledge; Variants in candidate genes are classified as variants of uncertain significance in accordance with ACMG guidelines (PMID: 25741868)